The following is an entry in ClinVar:

ClinVar aggregate classification (germline): Uncertain significance (1 of 4 stars; one submission).

Conditions:
Cardiovascular phenotype. Identifiers: MedGen CN230736.

gnomAD v4.1: 21 of 1,607,234 alleles (0.0013%); highest among the groups gnomAD compares: Admixed American, 0.0017%; no homozygotes.

Submission:

Ambry Genetics
Classification: Uncertain significance for Cardiovascular phenotype. Last evaluated: 2025-04-02. Review status: criteria provided, single submitter. Criteria: Ambry Variant Classification Scheme 2023. Collection method: clinical testing. Allele origin: germline.
Comment: The p.C3466Y variant (also known as c.10397G>A), located in coding exon 16 of the ALMS1 gene, results from a G to A substitution at nucleotide position 10397. The cysteine at codon 3466 is replaced by tyrosine, an amino acid with highly dissimilar properties. This amino acid position is not well conserved in available vertebrate species. In addition, this alteration is predicted to be tolerated by in silico analysis. Based on the available evidence, the clinical significance of this variant remains unclear.

NM_001378454.1(ALMS1):c.10394G>A (p.Cys3465Tyr)

Gene: ALMS1 (ALMS1 centrosome and basal body associated protein; plus strand). Cytogenetic location: 2p13.1.
Variant type: single nucleotide variant.
Coding change: c.10394G>A on transcript NM_001378454.1 (MANE Select); coding-DNA position 10394, G replaced by A.
Protein change: p.Cys3465Tyr; replaces cysteine 3465 with tyrosine.
Molecular consequence: missense variant.
Genome position (GRCh38, 1-based): chr2:73,572,271, G>A. VCF-style: chr2-73572271-G-A. GRCh37 (hg19) VCF-style: chr2-73799398-G-A.
Other names: c.10397G>A, p.Cys3466Tyr (NM_015120.4); short protein forms C3465Y, C3466Y.
Identifiers: ClinVar variation 4042401 (VCV004042401.1).